The following is an entry in ClinVar:

ClinVar aggregate classification (germline): Uncertain significance (1 of 4 stars; one submission).

Allele frequency attached by ClinVar (database versions not stated): TOPMed 0.00002; ExAC 0.00002; gnomAD 0.00003; gnomAD exomes 0.00003; ESP Exome Variant Server 0.00008.
gnomAD v4.1: 42 of 1,614,008 alleles (0.0026%); highest among the groups gnomAD compares: Non-Finnish European, 0.0033%; no homozygotes.

Submission:

Labcorp Genetics (formerly Invitae), Labcorp
Classification: Uncertain significance. Last evaluated: 2023-11-28. Review status: criteria provided, single submitter. Criteria: Invitae Variant Classification Sherloc (09022015). Collection method: clinical testing. Allele origin: germline.
Comment: This sequence change replaces proline, which is neutral and non-polar, with leucine, which is neutral and non-polar, at codon 837 of the ABCB6 protein (p.Pro837Leu). This variant is present in population databases (rs375057553, gnomAD 0.004%). This variant has not been reported in the literature in individuals affected with ABCB6-related conditions. ClinVar contains an entry for this variant (Variation ID: 2071873). An algorithm developed to predict the effect of missense changes on protein structure and function (PolyPhen-2) suggests that this variant is likely to be tolerated. In summary, the available evidence is currently insufficient to determine the role of this variant in disease. Therefore, it has been classified as a Variant of Uncertain Significance.

NM_005689.4(ABCB6):c.2510C>T (p.Pro837Leu)

Gene: ABCB6 (ATP binding cassette subfamily B member 6 (LAN blood group); minus strand). Cytogenetic location: 2q35.
Variant type: single nucleotide variant.
Coding change: c.2510C>T on transcript NM_005689.4 (MANE Select); coding-DNA position 2510, C replaced by T.
Protein change: p.Pro837Leu; replaces proline 837 with leucine.
Molecular consequence: missense variant.
Genome position (GRCh38, 1-based): chr2:219,209,957, G>A on the plus strand (C>T on the coding strand, the complement: ABCB6 is on the minus strand). VCF-style: chr2-219209957-G-A. GRCh37 (hg19) VCF-style: chr2-220074679-G-A.
Other names: c.2372C>T, p.Pro791Leu (NM_001349828.2); short protein forms P837L, P791L.
Identifiers: ClinVar variation 2071873 (VCV002071873.4), dbSNP rs375057553, ClinGen allele CA2118869.